The following is an entry in ClinVar:

NM_001393586.1(MYO7B):c.1551G>A (p.Pro517=)

Gene: MYO7B (myosin VIIB; plus strand). Cytogenetic location: 2q14.3.
Variant type: single nucleotide variant.
Coding change: c.1551G>A on transcript NM_001393586.1 (MANE Select); coding-DNA position 1551, G replaced by A.
Protein change: p.Pro517=; no amino-acid change (proline 517 retained).
Molecular consequence: synonymous variant.
Genome position (GRCh38, 1-based): chr2:127,584,329, G>A. VCF-style: chr2-127584329-G-A. GRCh37 (hg19) VCF-style: chr2-128341904-G-A.
Other names: c.1551G>A, p.Pro517= (NM_001080527.2).
Identifiers: ClinVar variation 3060919 (VCV003060919.2), dbSNP rs61743462, ClinGen allele CA1860833.

ClinVar aggregate classification (germline): Benign (0 of 4 stars; one submission).

Conditions:
MYO7B-related disorder. Also called: MYO7B-related condition.

Allele frequency attached by ClinVar (database versions not stated): gnomAD exomes 0.00104; ExAC 0.00314; 1000 Genomes Project 0.01078; gnomAD 0.01107; 1000 Genomes Project 30x 0.01171; ESP Exome Variant Server 0.01181; TOPMed 0.01232.
gnomAD v4.1: 3,258 of 1,613,766 alleles (0.2%); highest among the groups gnomAD compares: African/African-American, 3.8%; 61 homozygotes.

Submission:

PreventionGenetics, part of Exact Sciences
Classification: Benign for MYO7B-related condition. Last evaluated: 2019-02-19. Review status: no assertion criteria provided. Collection method: clinical testing. Allele origin: germline.
Comment: This variant is classified as benign based on ACMG/AMP sequence variant interpretation guidelines (Richards et al. 2015 PMID: 25741868, with internal and published modifications).